The following is an entry in ClinVar:

ClinVar aggregate classification (germline): Uncertain significance. Review status: reviewed by expert panel (3 of 4 stars). 7 submissions from 7 submitters: Uncertain significance (1). 6 of the submissions do not count toward it. Last evaluated 2019-11-04.

Conditions:
Cardiovascular phenotype. Identifiers: MedGen CN230736.
RASopathy. Also called: rasopathies; Noonan spectrum disorder. Identifiers: Orphanet 536391, MedGen C5555857, MONDO:0021060.
Primary dilated cardiomyopathy (DCM). Also called: Dilated Cardiomyopathy. Identifiers: Orphanet 217604, MedGen C0007193, MeSH D002311, MONDO:0005021, HP:0001644. Inheritance: Various modes of inheritance.

Allele frequency attached by ClinVar (database versions not stated): gnomAD 0.00001; TOPMed 0.00001; ExAC 0.00003; gnomAD exomes 0.00003; ESP Exome Variant Server 0.00015.
gnomAD v4.1: 24 of 1,610,182 alleles (0.0015%); highest among the groups gnomAD compares: Middle Eastern, 0.033%; no homozygotes.

Submissions (7):

ClinGen RASopathy Variant Curation Expert Panel
Classification: Uncertain significance for RASopathy. Last evaluated: 2019-11-04. Review status: reviewed by expert panel. Criteria: ClinGen RASopathy ACMG Specifications v1. Collection method: curation. Allele origin: germline. Inheritance: Autosomal dominant inheritance.
Comment: The c.2728G>C (p.Asp910His) variant in SOS1 is present in 0.009806% of South Asian chromosomes in gnomAD (BS1 not met). This variant was observed in 4 healthy adult individuals who did not have clinical features of a RASopathy (BS2; SCV000808073.1). Computational prediction tools and conservation analyses do not provide strong support for or against an impact to the protein. In summary, the clinical significance of this variant is uncertain. ACMG/AMP Criteria applied: BS2.

Labcorp Genetics (formerly Invitae), Labcorp
Classification: Uncertain significance for RASopathy. Last evaluated: 2025-11-18. Review status: criteria provided, single submitter. Criteria: Invitae Variant Classification Sherloc (09022015). Collection method: clinical testing. Allele origin: germline. Not counted in ClinVar's aggregate classification.
Comment: This sequence change replaces aspartic acid, which is acidic and polar, with histidine, which is basic and polar, at codon 910 of the SOS1 protein (p.Asp910His). This variant is present in population databases (rs369277679, gnomAD 0.01%). This variant has not been reported in the literature in individuals affected with SOS1-related conditions. ClinVar contains an entry for this variant (Variation ID: 290125). Invitae Evidence Modeling of protein sequence and biophysical properties (such as structural, functional, and spatial information, amino acid conservation, physicochemical variation, residue mobility, and thermodynamic stability) indicates that this missense variant is expected to disrupt SOS1 protein function with a positive predictive value of 80%. In summary, the available evidence is currently insufficient to determine the role of this variant in disease. Therefore, it has been classified as a Variant of Uncertain Significance.

Ambry Genetics
Classification: Uncertain significance for Cardiovascular phenotype. Last evaluated: 2025-10-29. Review status: criteria provided, single submitter. Criteria: Ambry Variant Classification Scheme 2023. Collection method: clinical testing. Allele origin: germline. Not counted in ClinVar's aggregate classification.
Comment: The p.D910H variant (also known as c.2728G>C), located in coding exon 17 of the SOS1 gene, results from a G to C substitution at nucleotide position 2728. The aspartic acid at codon 910 is replaced by histidine, an amino acid with similar properties. This alteration has been reported in a dilated cardiomyopathy (DCM) cohort in one family with two members who were affected with DCM and were found to have an additional alteration in SOS1 identified in cis, and it did not segregate in one affected family member (Cowan JR et al. Circ Genom Precis Med, 2020 Aug;13:e002892). This amino acid position is highly conserved in available vertebrate species. In addition, the in silico prediction for this alteration is inconclusive. Since supporting evidence is limited at this time, the clinical significance of this alteration remains unclear.

Women's Health and Genetics/Laboratory Corporation of America, LabCorp
Classification: Likely benign. Last evaluated: 2019-09-05. Review status: criteria provided, single submitter. Criteria: LabCorp Variant Classification Summary - May 2015. Collection method: clinical testing. Allele origin: germline. Not counted in ClinVar's aggregate classification.
Comment: Variant summary: SOS1 c.2728G>C (p.Asp910His) results in a non-conservative amino acid change located in the Ras guanine-nucleotide exchange factors catalytic domain (IPR001895) of the encoded protein sequence. Four of five in-silico tools predict a damaging effect of the variant on protein function. The variant allele was found at a frequency of 2.8e-05 in 250834 control chromosomes, predominantly at a frequency of 9.8e-05 within the South Asian subpopulation in the gnomAD database. The available data on variant occurrences in the general population are insufficient to allow any conclusion about variant significance. To our knowledge, no occurrence of c.2728G>C in individuals affected with Noonan Syndrome and Related Conditions and no experimental evidence demonstrating its impact on protein function have been reported. Two clinical diagnostic laboratories have submitted clinical-significance assessments for this variant to ClinVar after 2014 without evidence for independent evaluation. One laboratory classified the variant as likely benign, and one laboratory classified the variant as uncertain significance. Based on the evidence outlined above, the variant was classified as likely benign.

GeneDx
Classification: Likely benign. Last evaluated: 2018-05-17. Review status: criteria provided, single submitter. Criteria: GeneDx Variant Classification (06012015). Collection method: clinical testing. Allele origin: germline. Affected: yes. Not counted in ClinVar's aggregate classification.
Comment: This variant is considered likely benign or benign based on one or more of the following criteria: it is a conservative change, it occurs at a poorly conserved position in the protein, it is predicted to be benign by multiple in silico algorithms, and/or has population frequency not consistent with disease.

Eurofins Ntd Llc (ga)
Classification: Uncertain significance. Last evaluated: 2016-09-09. Review status: criteria provided, single submitter. Criteria: EGL Classification Definitions 2015. Collection method: clinical testing. Allele origin: germline. Observed: 1 variant allele, 1 heterozygote. Not counted in ClinVar's aggregate classification.

University of Washington Center for Mendelian Genomics, University of Washington
Classification: Uncertain significance for dilated cardiomyopathy. Review status: no assertion criteria provided. Collection method: research. Allele origin: inherited. Affected: yes. Not counted in ClinVar's aggregate classification.

Literature cited by the submitters: PubMed 32603605 (cited by Ambry Genetics and University of Washington Center for Mendelian Genomics, University of Washington).

NM_005633.4(SOS1):c.2728G>C (p.Asp910His)

Gene: SOS1 (SOS Ras/Rac guanine nucleotide exchange factor 1; minus strand). Cytogenetic location: 2p22.1.
Variant type: single nucleotide variant.
Coding change: c.2728G>C on transcript NM_005633.4 (MANE Select); coding-DNA position 2728, G replaced by C.
Protein change: p.Asp910His; replaces aspartic acid 910 with histidine.
Molecular consequence: missense variant.
Genome position (GRCh38, 1-based): chr2:39,006,475, C>G on the plus strand (G>C on the coding strand, the complement: SOS1 is on the minus strand). VCF-style: chr2-39006475-C-G. GRCh37 (hg19) VCF-style: chr2-39233616-C-G.
Other names: c.2728G>C (NM_005633.3); c.2707G>C, p.Asp903His (NM_001382394.1); c.2728G>C, p.Asp910His (NM_001382395.1); short protein forms D910H, D903H.
Identifiers: ClinVar variation 290125 (VCV000290125.21), dbSNP rs369277679, ClinGen allele CA1624337.